The following is an entry in ClinVar:

ClinVar aggregate classification (germline): Conflicting classifications of pathogenicity. Review status: criteria provided, conflicting classifications (1 of 4 stars). 5 submissions from 5 submitters: Uncertain significance (4); Likely benign (1). Last evaluated 2026-05-28.

Conditions:
Hereditary cancer-predisposing syndrome. Also called: Hereditary neoplastic syndrome; Neoplastic Syndromes, Hereditary; Tumor predisposition; Hereditary Cancer Syndrome. Identifiers: Orphanet 140162, MedGen C0027672, MeSH D009386, MONDO:0015356.
Cardiovascular phenotype. Identifiers: MedGen CN230736.

Allele frequency attached by ClinVar (database versions not stated): gnomAD 0.00001; TOPMed 0.00001.
gnomAD v4.1: 54 of 1,613,714 alleles (0.0033%); highest among the groups gnomAD compares: Non-Finnish European, 0.0045%; no homozygotes.

Submissions (5):

Women's Health and Genetics/Laboratory Corporation of America, LabCorp
Classification: Uncertain significance. Last evaluated: 2026-05-28. Review status: criteria provided, single submitter. Criteria: LabCorp Variant Classification Summary - May 2015. Collection method: clinical testing. Allele origin: germline.
Comment: Variant summary: LZTR1 c.1051A>G (p.Thr351Ala) results in a non-conservative amino acid change in the encoded protein sequence. Algorithms developed to predict the effect of missense changes on protein structure and function are either unavailable or do not agree on the potential impact of this missense change. The variant allele was found at a frequency of 1.2e-05 in 251186 control chromosomes. The available data on variant occurrences in the general population are insufficient to allow any conclusion about variant significance. To our knowledge, no occurrence of c.1051A>G in individuals affected with LZTR1-related conditions and no experimental evidence demonstrating its impact on protein function have been reported. ClinVar contains an entry for this variant (Variation ID: 1777201). Based on the evidence outlined above, the variant was classified as uncertain significance.

Labcorp Genetics (formerly Invitae), Labcorp
Classification: Uncertain significance. Last evaluated: 2025-12-15. Review status: criteria provided, single submitter. Criteria: Invitae Variant Classification Sherloc (09022015). Collection method: clinical testing. Allele origin: germline.
Comment: This sequence change replaces threonine, which is neutral and polar, with alanine, which is neutral and non-polar, at codon 351 of the LZTR1 protein (p.Thr351Ala). This variant is present in population databases (no rsID available, gnomAD 0.002%). This variant has not been reported in the literature in individuals affected with LZTR1-related conditions. ClinVar contains an entry for this variant (Variation ID: 1777201). Invitae Evidence Modeling of protein sequence and biophysical properties (such as structural, functional, and spatial information, amino acid conservation, physicochemical variation, residue mobility, and thermodynamic stability) indicates that this missense variant is not expected to disrupt LZTR1 protein function with a negative predictive value of 80%. In summary, the available evidence is currently insufficient to determine the role of this variant in disease. Therefore, it has been classified as a Variant of Uncertain Significance.

Ambry Genetics
Classification: Likely benign for Cardiovascular phenotype; Hereditary cancer-predisposing syndrome. Last evaluated: 2024-11-14. Review status: criteria provided, single submitter. Criteria: Ambry Variant Classification Scheme 2023. Collection method: clinical testing. Allele origin: germline.

Blueprint Genetics
Classification: Uncertain significance. Last evaluated: 2024-05-10. Review status: criteria provided, single submitter. Criteria: ACMG Guidelines, 2015. Collection method: clinical testing. Allele origin: germline.

GeneDx
Classification: Uncertain significance. Last evaluated: 2023-10-18. Review status: criteria provided, single submitter. Criteria: GeneDx Variant Classification Process June 2021. Collection method: clinical testing. Allele origin: germline. Affected: yes.
Comment: Not observed at significant frequency in large population cohorts (gnomAD); In silico analysis supports that this missense variant does not alter protein structure/function; Has not been previously published as pathogenic or benign to our knowledge

NM_006767.4(LZTR1):c.1051A>G (p.Thr351Ala)

Gene: LZTR1 (leucine zipper like post translational regulator 1; plus strand). Cytogenetic location: 22q11.21.
Variant type: single nucleotide variant.
Coding change: c.1051A>G on transcript NM_006767.4 (MANE Select); coding-DNA position 1051, A replaced by G.
Protein change: p.Thr351Ala; replaces threonine 351 with alanine.
Molecular consequence: missense variant.
Genome position (GRCh38, 1-based): chr22:20,992,271, A>G. VCF-style: chr22-20992271-A-G. GRCh37 (hg19) VCF-style: chr22-21346560-A-G.
Other names: short protein forms T351A.
Identifiers: ClinVar variation 1777201 (VCV001777201.11), dbSNP rs936980006, ClinGen allele CA322327884.